The following is an entry in ClinVar:

ClinVar aggregate classification (germline): Uncertain significance. Review status: criteria provided, multiple submitters, no conflicts (2 of 4 stars). 3 submissions from 3 submitters: Uncertain significance (3). Last evaluated 2025-05-19.

Conditions:
Inborn genetic diseases. Identifiers: MedGen C0950123, MeSH D030342.
Neurodevelopmental disorder with brain anomalies and with or without vertebral or cardiac anomalies. Identifiers: MedGen C5231481, MONDO:0032888, OMIM 618731.

Allele frequency attached by ClinVar (database versions not stated): gnomAD exomes below 0.00001; ExAC 0.00001; gnomAD 0.00001; TOPMed 0.00002; 1000 Genomes Project 30x 0.00016; 1000 Genomes Project 0.00020.
gnomAD v4.1: 18 of 1,593,464 alleles (0.0011%); highest among the groups gnomAD compares: East Asian, 0.0091%; no homozygotes.

Submissions (3):

Ambry Genetics
Classification: Uncertain significance for Inborn genetic diseases. Last evaluated: 2025-05-19. Review status: criteria provided, single submitter. Criteria: Ambry Variant Classification Scheme 2023. Collection method: clinical testing. Allele origin: germline.

Labcorp Genetics (formerly Invitae), Labcorp
Classification: Uncertain significance. Last evaluated: 2024-10-29. Review status: criteria provided, single submitter. Criteria: Invitae Variant Classification Sherloc (09022015). Collection method: clinical testing. Allele origin: germline.
Comment: This sequence change replaces serine, which is neutral and polar, with asparagine, which is neutral and polar, at codon 806 of the DHX37 protein (p.Ser806Asn). This variant is present in population databases (rs201210792, gnomAD 0.02%). This variant has not been reported in the literature in individuals affected with DHX37-related conditions. ClinVar contains an entry for this variant (Variation ID: 2182848). Invitae Evidence Modeling of protein sequence and biophysical properties (such as structural, functional, and spatial information, amino acid conservation, physicochemical variation, residue mobility, and thermodynamic stability) indicates that this missense variant is not expected to disrupt DHX37 protein function with a negative predictive value of 80%. In summary, the available evidence is currently insufficient to determine the role of this variant in disease. Therefore, it has been classified as a Variant of Uncertain Significance.

Department of Pathology and Laboratory Medicine, Sinai Health System
Classification: Uncertain significance for neurodevelopmental disorder with brain anomalies and with or without vertebral or cardiac anomalies. Last evaluated: 2023-10-25. Review status: criteria provided, single submitter. Criteria: ACMG Guidelines, 2015. Collection method: research. Allele origin: germline.

NM_032656.4(DHX37):c.2417G>A (p.Ser806Asn)

Gene: DHX37 (DEAH-box helicase 37; minus strand). Cytogenetic location: 12q24.31.
Variant type: single nucleotide variant.
Coding change: c.2417G>A on transcript NM_032656.4 (MANE Select); coding-DNA position 2417, G replaced by A.
Protein change: p.Ser806Asn; replaces serine 806 with asparagine.
Molecular consequence: missense variant.
Genome position (GRCh38, 1-based): chr12:124,956,727, C>T on the plus strand (G>A on the coding strand, the complement: DHX37 is on the minus strand). VCF-style: chr12-124956727-C-T. GRCh37 (hg19) VCF-style: chr12-125441273-C-T.
Other names: c.2417G>A (NM_032656.3); short protein forms S806N.
Identifiers: ClinVar variation 2182848 (VCV002182848.6), dbSNP rs201210792, ClinGen allele CA6871649.